The following is an entry in ClinVar:

NM_001385012.1(NBEA):c.739C>T (p.Pro247Ser)

Gene: NBEA (neurobeachin; plus strand). Cytogenetic location: 13q13.3.
Variant type: single nucleotide variant.
Coding change: c.739C>T on transcript NM_001385012.1 (MANE Select); coding-DNA position 739, C replaced by T.
Protein change: p.Pro247Ser; replaces proline 247 with serine.
Molecular consequence: missense variant.
Genome position (GRCh38, 1-based): chr13:35,048,578, C>T. VCF-style: chr13-35048578-C-T. GRCh37 (hg19) VCF-style: chr13-35622715-C-T.
Other names: c.739C>T, p.Pro247Ser (NM_001379245.1, NM_015678.5); short protein forms P247S.
Identifiers: ClinVar variation 3361283 (VCV003361283.1).

ClinVar aggregate classification (germline): Likely pathogenic (1 of 4 stars; one submission).

Submission:

GeneDx
Classification: Likely pathogenic. Last evaluated: 2024-04-04. Review status: criteria provided, single submitter. Criteria: GeneDx Variant Classification Process June 2021. Collection method: clinical testing. Allele origin: germline. Affected: yes.
Comment: Not observed at significant frequency in large population cohorts (gnomAD); In silico analysis supports that this missense variant has a deleterious effect on protein structure/function; Has not been previously published as pathogenic or benign to our knowledge